The following is an entry in ClinVar:

NM_015922.3(NSDHL):c.117A>T (p.Arg39Ser)

Gene: NSDHL (NAD(P) dependent 3-beta-hydroxysteroid dehydrogenase NSDHL; plus strand). Cytogenetic location: Xq28.
Variant type: single nucleotide variant.
Coding change: c.117A>T on transcript NM_015922.3 (MANE Select); coding-DNA position 117, A replaced by T.
Protein change: p.Arg39Ser; replaces arginine 39 with serine.
Molecular consequence: missense variant.
Genome position (GRCh38, 1-based): chrX:152,850,273, A>T. VCF-style: chrX-152850273-A-T. GRCh37 (hg19) VCF-style: chrX-152018817-A-T.
Other names: c.117A>T, p.Arg39Ser (NM_001129765.2); short protein forms R39S.
Identifiers: ClinVar variation 2851059 (VCV002851059.3), dbSNP rs1030432905, ClinGen allele CA337610201.

ClinVar aggregate classification (germline): Uncertain significance (1 of 4 stars; one submission).

Allele frequency attached by ClinVar (database versions not stated): gnomAD exomes below 0.00001.

Submission:

Labcorp Genetics (formerly Invitae), Labcorp
Classification: Uncertain significance. Last evaluated: 2023-09-27. Review status: criteria provided, single submitter. Criteria: Invitae Variant Classification Sherloc (09022015). Collection method: clinical testing. Allele origin: germline.
Comment: In summary, the available evidence is currently insufficient to determine the role of this variant in disease. Therefore, it has been classified as a Variant of Uncertain Significance. An algorithm developed to predict the effect of missense changes on protein structure and function (PolyPhen-2) suggests that this variant is likely to be tolerated. This variant has not been reported in the literature in individuals affected with NSDHL-related conditions. This variant is present in population databases (no rsID available, gnomAD 0.001%), including at least one homozygous and/or hemizygous individual. This sequence change replaces arginine, which is basic and polar, with serine, which is neutral and polar, at codon 39 of the NSDHL protein (p.Arg39Ser).